The following is an entry in ClinVar:

ClinVar aggregate classification (germline): Uncertain significance (1 of 4 stars; one submission).

Conditions:
Inborn genetic diseases. Identifiers: MedGen C0950123, MeSH D030342.

Submission:

Ambry Genetics
Classification: Uncertain significance for Inborn genetic diseases. Last evaluated: 2022-11-23. Review status: criteria provided, single submitter. Criteria: Ambry Variant Classification Scheme 2023. Collection method: clinical testing. Allele origin: germline.
Comment: The p.E166Q variant (also known as c.496G>C), located in coding exon 5 of the BUB1B gene, results from a G to C substitution at nucleotide position 496. The glutamic acid at codon 166 is replaced by glutamine, an amino acid with highly similar properties. This amino acid position is conserved. In addition, this alteration is predicted to be tolerated by in silico analysis. Since supporting evidence is limited at this time, the clinical significance of this alteration remains unclear.

NM_001211.6(BUB1B):c.496G>C (p.Glu166Gln)

Gene: BUB1B (BUB1 mitotic checkpoint serine/threonine kinase B; plus strand). Cytogenetic location: 15q15.1.
Variant type: single nucleotide variant.
Coding change: c.496G>C on transcript NM_001211.6 (MANE Select); coding-DNA position 496, G replaced by C.
Protein change: p.Glu166Gln; replaces glutamic acid 166 with glutamine.
Molecular consequence: missense variant.
Genome position (GRCh38, 1-based): chr15:40,176,588, G>C. VCF-style: chr15-40176588-G-C. GRCh37 (hg19) VCF-style: chr15-40468789-G-C.
Other names: short protein forms E166Q.
Identifiers: ClinVar variation 3221432 (VCV003221432.1), dbSNP rs2542524174, ClinGen allele CA391681286.